The following is an entry in ClinVar:

ClinVar aggregate classification (germline): Likely benign. Review status: criteria provided, multiple submitters, no conflicts (2 of 4 stars). 3 submissions from 3 submitters: Likely benign (2). 1 of the submissions does not count toward it. Last evaluated 2024-10-29.

Conditions:
NFIX-related disorder. Also called: NFIX-related condition.
Marshall-Smith syndrome (MRSHSS). Identifiers: Orphanet 561, MedGen C0265211, MONDO:0011244, OMIM 602535.
Malan overgrowth syndrome (MALNS). Also called: Sotos syndrome 2; NFIX-Related Malan Syndrome; MALAN SYNDROME. Identifiers: Orphanet 420179, MedGen C3553660, MONDO:0013885, OMIM 614753.

Allele frequency attached by ClinVar (database versions not stated): gnomAD 0.00008 and 0.00009; gnomAD exomes 0.00008 and 0.00011; ExAC 0.00009; TOPMed 0.00009; 1000 Genomes Project 30x 0.00016; ESP Exome Variant Server 0.00016; 1000 Genomes Project 0.00020.
gnomAD v4.1: 173 of 1,613,742 alleles (0.011%); highest among the groups gnomAD compares: Middle Eastern, 0.016%; no homozygotes.

Submissions (3):

Labcorp Genetics (formerly Invitae), Labcorp
Classification: Likely benign for Malan overgrowth syndrome; Marshall-Smith syndrome. Last evaluated: 2024-10-29. Review status: criteria provided, single submitter. Criteria: Invitae Variant Classification Sherloc (09022015). Collection method: clinical testing. Allele origin: germline.

Blueprint Genetics
Classification: Likely benign. Last evaluated: 2021-07-15. Review status: criteria provided, single submitter. Criteria: ACMG Guidelines, 2015. Collection method: clinical testing. Allele origin: germline.

PreventionGenetics, part of Exact Sciences
Classification: Likely benign for NFIX-related condition. Last evaluated: 2019-07-12. Review status: no assertion criteria provided. Collection method: clinical testing. Allele origin: germline. Not counted in ClinVar's aggregate classification.
Comment: This variant is classified as likely benign based on ACMG/AMP sequence variant interpretation guidelines (Richards et al. 2015 PMID: 25741868, with internal and published modifications).

NM_001365902.3(NFIX):c.843C>T (p.Ile281=)

Gene: NFIX (nuclear factor I X; plus strand). Cytogenetic location: 19p13.13.
Variant type: single nucleotide variant.
Coding change: c.843C>T on transcript NM_001365902.3 (MANE Select); coding-DNA position 843, C replaced by T.
Protein change: p.Ile281=; no amino-acid change (isoleucine 281 retained).
Molecular consequence: synonymous variant.
Genome position (GRCh38, 1-based): chr19:13,075,559, C>T. VCF-style: chr19-13075559-C-T. GRCh37 (hg19) VCF-style: chr19-13186373-C-T.
Other names: c.867C>T, p.Ile289= (NM_001271043.2); c.819C>T, p.Ile273= (NM_001271044.3, NM_001378404.1); c.843C>T, p.Ile281= (NM_001365982.2, NM_002501.4); c.702C>T, p.Ile234= (NM_001365983.2); c.840C>T, p.Ile280= (NM_001365984.2, NM_001365985.2); c.891C>T, p.Ile297= (NM_001378405.1); c.843C>T (NM_002501.3).
Identifiers: ClinVar variation 1093742 (VCV001093742.12), dbSNP rs201741871, ClinGen allele CA9237086.